The following is an entry in ClinVar:

ClinVar aggregate classification (germline): Likely pathogenic (1 of 4 stars; one submission).

Conditions:
Tubulinopathy. Also called: Tubulinopathies. Identifiers: MedGen CN850169, MONDO:0100153.

Submission:

Institute of Human Genetics, FAU Erlangen, Friedrich-Alexander-Universität Erlangen-Nürnberg
Classification: Likely pathogenic for Tubulinopathies. Last evaluated: 2018-07-01. Review status: criteria provided, single submitter. Criteria: ACMG Guidelines, 2015. Collection method: literature only. Allele origin: de novo. Affected: yes. Observed: 1 variant allele.
Comment: The c.856C>T, p.(Leu286Phe) variant has been reported as a variant of de novo origin. This variant and associated phenotype was previously reported by Poirier et al. Human Mutation, 2007 PMID: 17584854. Agyria (HP:0031882); Cerebellar vermis hypoplasia (HP:0001320); Hypoplasia of the brainstem (HP:0002365); Cerebellar hypoplasia (HP:0001321); Hypoplastic hippocampus (HP:0025517); Dilation of lateral ventricles (HP:0006956); Gray matter heterotopia (HP:0002281); no Congenital microcephaly (-HP:0011451)

Literature cited by the submitters: PubMed 30744660; DOI 10.1101/427948.

NM_006009.4(TUBA1A):c.856C>T (p.Leu286Phe)

Gene: TUBA1A (tubulin alpha 1a; minus strand). Cytogenetic location: 12q13.12.
Variant type: single nucleotide variant.
Coding change: c.856C>T on transcript NM_006009.4 (MANE Select); coding-DNA position 856, C replaced by T.
Protein change: p.Leu286Phe; replaces leucine 286 with phenylalanine.
Molecular consequence: missense variant.
Genome position (GRCh38, 1-based): chr12:49,185,510, G>A on the plus strand (C>T on the coding strand, the complement: TUBA1A is on the minus strand). VCF-style: chr12-49185510-G-A. GRCh37 (hg19) VCF-style: chr12-49579293-G-A.
Other names: c.856C>T, p.Leu286Phe (NM_001270399.2); c.751C>T, p.Leu251Phe (NM_001270400.2); short protein forms L286F, L251F.
Identifiers: ClinVar variation 625483 (VCV000625483.2), dbSNP rs1565627116, ClinGen allele CA384639114.